The following is an entry in ClinVar:

ClinVar aggregate classification (germline): Uncertain significance (1 of 4 stars; one submission).

Conditions:
Severe combined immunodeficiency due to IKK2 deficiency. Also called: IMMUNODEFICIENCY 15B; Immunodeficiency 15. Identifiers: Orphanet 397787, MedGen C4747743, MONDO:0014267, OMIM 615592.

Allele frequency attached by ClinVar (database versions not stated): gnomAD exomes below 0.00001 and 0.00002; ExAC 0.00001; TOPMed 0.00002.
gnomAD v4.1: 4 of 1,614,114 alleles (0.00025%); highest among the groups gnomAD compares: Admixed American, 0.005%; no homozygotes.

Submission:

Labcorp Genetics (formerly Invitae), Labcorp
Classification: Uncertain significance for Severe combined immunodeficiency due to IKK2 deficiency. Last evaluated: 2026-01-05. Review status: criteria provided, single submitter. Criteria: Invitae Variant Classification Sherloc (09022015). Collection method: clinical testing. Allele origin: germline.
Comment: This sequence change replaces threonine, which is neutral and polar, with isoleucine, which is neutral and non-polar, at codon 324 of the IKBKB protein (p.Thr324Ile). This variant is present in population databases (rs754812986, gnomAD 0.01%). This variant has not been reported in the literature in individuals affected with IKBKB-related conditions. ClinVar contains an entry for this variant (Variation ID: 1463443). Invitae Evidence Modeling of protein sequence and biophysical properties (such as structural, functional, and spatial information, amino acid conservation, physicochemical variation, residue mobility, and thermodynamic stability) indicates that this missense variant is not expected to disrupt IKBKB protein function with a negative predictive value of 95%. In summary, the available evidence is currently insufficient to determine the role of this variant in disease. Therefore, it has been classified as a Variant of Uncertain Significance.

NM_001556.3(IKBKB):c.971C>T (p.Thr324Ile)

Gene: IKBKB (inhibitor of nuclear factor kappa B kinase subunit beta; plus strand). Cytogenetic location: 8p11.21.
Variant type: single nucleotide variant.
Coding change: c.971C>T on transcript NM_001556.3 (MANE Select); coding-DNA position 971, C replaced by T.
Protein change: p.Thr324Ile; replaces threonine 324 with isoleucine.
Molecular consequence: missense variant. On other transcripts: non-coding transcript variant (3).
Genome position (GRCh38, 1-based): chr8:42,316,750, C>T. VCF-style: chr8-42316750-C-T. GRCh37 (hg19) VCF-style: chr8-42174268-C-T.
Other names: c.779C>T, p.Thr260Ile (NM_001190720.3); c.794C>T, p.Thr265Ile (NM_001242778.2); short protein forms T265I, T324I, T260I.
Identifiers: ClinVar variation 1463443 (VCV001463443.6), dbSNP rs754812986, ClinGen allele CA4731857.